The following is an entry in ClinVar:

NM_001999.4(FBN2):c.4472-3C>T

Gene: FBN2 (fibrillin 2; minus strand). Cytogenetic location: 5q23.3.
Variant type: single nucleotide variant.
Coding change: c.4472-3C>T on transcript NM_001999.4 (MANE Select); 3 bases into the intron before coding-DNA position 4472, C replaced by T.
Molecular consequence: intron variant.
Genome position (GRCh38, 1-based): chr5:128,319,004, G>A on the plus strand (C>T on the coding strand, the complement: FBN2 is on the minus strand). VCF-style: chr5-128319004-G-A. GRCh37 (hg19) VCF-style: chr5-127654696-G-A.
Identifiers: ClinVar variation 2127831 (VCV002127831.4), dbSNP rs2479759937, ClinGen allele CA2573332589.

ClinVar aggregate classification (germline): Uncertain significance (1 of 4 stars; one submission).

Conditions:
Congenital contractural arachnodactyly (CCA). Also called: BEALS SYNDROME; Beals-Hecht syndrome; Arthrogryposis, distal, type 9. Identifiers: Orphanet 115, MedGen C0220668, MONDO:0007363, OMIM 121050.

Submission:

Labcorp Genetics (formerly Invitae), Labcorp
Classification: Uncertain significance for Congenital contractural arachnodactyly. Last evaluated: 2022-06-28. Review status: criteria provided, single submitter. Criteria: Invitae Variant Classification Sherloc (09022015). Collection method: clinical testing. Allele origin: germline.
Comment: This sequence change falls in intron 34 of the FBN2 gene. It does not directly change the encoded amino acid sequence of the FBN2 protein. It affects a nucleotide within the consensus splice site. This variant is not present in population databases (gnomAD no frequency). This variant has not been reported in the literature in individuals affected with FBN2-related conditions. Variants that disrupt the consensus splice site are a relatively common cause of aberrant splicing (PMID: 17576681, 9536098). Algorithms developed to predict the effect of sequence changes on RNA splicing suggest that this variant is not likely to affect RNA splicing. In summary, the available evidence is currently insufficient to determine the role of this variant in disease. Therefore, it has been classified as a Variant of Uncertain Significance.

Literature cited by the submitters: PubMed 17576681; PubMed 9536098.